The following is an entry in ClinVar:

NM_198253.3(TERT):c.2750C>A (p.Thr917Lys)

Gene: TERT (telomerase reverse transcriptase; minus strand). Cytogenetic location: 5p15.33.
Variant type: single nucleotide variant.
Coding change: c.2750C>A on transcript NM_198253.3 (MANE Select); coding-DNA position 2750, C replaced by A.
Protein change: p.Thr917Lys; replaces threonine 917 with lysine.
Molecular consequence: missense variant. On other transcripts: intron variant (1).
Genome position (GRCh38, 1-based): chr5:1,264,497, G>T on the plus strand (C>A on the coding strand, the complement: TERT is on the minus strand). VCF-style: chr5-1264497-G-T. GRCh37 (hg19) VCF-style: chr5-1264612-G-T.
Other names: c.2750C>A (NM_198253.2); c.2654+1967C>A (NM_001193376.3); short protein forms T917K.
Identifiers: ClinVar variation 1001319 (VCV001001319.10), dbSNP rs779102560, ClinGen allele CA359071881.

ClinVar aggregate classification (germline): Uncertain significance. Review status: criteria provided, multiple submitters, no conflicts (2 of 4 stars). 2 submissions from 2 submitters: Uncertain significance (2). Last evaluated 2025-06-30.

Conditions:
Idiopathic Pulmonary Fibrosis. Also called: Idiopathic fibrosing alveolitis, chronic form; idiopathic fibrosing alveolitis. Identifiers: Orphanet 2032, MedGen C1800706, MeSH D054990, MONDO:0800504.
Dyskeratosis congenita, autosomal dominant 2. Identifiers: MedGen C3151443, MONDO:0013521, OMIM 613989.
Dyskeratosis congenita. Identifiers: Orphanet 1775, MedGen C0265965, MONDO:0015780.

Submissions (2):

Ambry Genetics
Classification: Uncertain significance for Dyskeratosis congenita. Last evaluated: 2025-06-30. Review status: criteria provided, single submitter. Criteria: Ambry Variant Classification Scheme 2023. Collection method: clinical testing. Allele origin: germline.
Comment: The p.T917K variant (also known as c.2750C>A), located in coding exon 11 of the TERT gene, results from a C to A substitution at nucleotide position 2750. The threonine at codon 917 is replaced by lysine, an amino acid with similar properties. This amino acid position is conserved. In addition, this alteration is predicted to be tolerated by in silico analysis. Based on the available evidence, the clinical significance of this variant remains unclear.

Labcorp Genetics (formerly Invitae), Labcorp
Classification: Uncertain significance for Dyskeratosis congenita, autosomal dominant 2; Idiopathic Pulmonary Fibrosis. Last evaluated: 2023-03-09. Review status: criteria provided, single submitter. Criteria: Invitae Variant Classification Sherloc (09022015). Collection method: clinical testing. Allele origin: germline.
Comment: In summary, the available evidence is currently insufficient to determine the role of this variant in disease. Therefore, it has been classified as a Variant of Uncertain Significance. Advanced modeling of protein sequence and biophysical properties (such as structural, functional, and spatial information, amino acid conservation, physicochemical variation, residue mobility, and thermodynamic stability) performed at Invitae indicates that this missense variant is not expected to disrupt TERT protein function. This variant is not present in population databases (gnomAD no frequency). This variant has not been reported in the literature in individuals affected with TERT-related conditions. ClinVar contains an entry for this variant (Variation ID: 1001319). This sequence change replaces threonine, which is neutral and polar, with lysine, which is basic and polar, at codon 917 of the TERT protein (p.Thr917Lys).